The following is an entry in ClinVar:

NM_000238.4(KCNH2):c.1819del (p.Ile607fs)

Gene: KCNH2 (potassium voltage-gated channel subfamily H member 2; minus strand). Cytogenetic location: 7q36.1.
Variant type: Deletion.
Coding change: c.1819del on transcript NM_000238.4 (MANE Select); coding-DNA position 1819, one base deleted (A; older notation c.1819delA).
Protein change: p.Ile607fs; shifts the reading frame from isoleucine 607.
Molecular consequence: frameshift variant.
Genome position (GRCh38, 1-based): chr7:150,951,574, T deleted on the plus strand (A on the coding strand, the reverse complement: KCNH2 is on the minus strand). VCF-style (leftmost placement, unchanged base first): chr7-150951573-AT-A. GRCh37 (hg19) VCF-style: chr7-150648661-AT-A.
Other names: c.799del, p.Ile267fs (NM_001204798.2, NM_172057.3); c.1531delA, p.Ile511Serfs (NM_001406753.1, NM_001406756.1); c.1642delA, p.Ile548Serfs (NM_001406755.1); c.1519delA, p.Ile507Serfs (NM_001406757.1); c.1819delA, p.Ile607Serfs (NM_172056.3); short protein forms I267fs, I607fs.
Identifiers: ClinVar variation 1698966 (VCV001698966.4), dbSNP rs2116960827, ClinGen allele CA1139532857.
Genomic context (GRCh38, chr7:150,951,573, plus strand): 5'-AAGCCCACACTGGTGAGGCTGCTGAAGGTGAAGTAGAGCGCCGTCACATACTTGTCCTTG[AT>A]GGAGGGGCCGCCCAGGCCGCTGCTGTTGTAGGGTTTGCCTATCTGGTCGCCCAGGTTGTG-3'

ClinVar aggregate classification (germline): Pathogenic (1 of 4 stars; one submission).

Conditions:
Familial long QT syndrome (RWS). Also called: Romano-Ward syndrome; VENTRICULAR FIBRILLATION WITH PROLONGED QT INTERVAL; Congenital long QT syndrome. Identifiers: Orphanet 768, MedGen C1141890, MONDO:0019171.

Submission:

Victorian Clinical Genetics Services, Murdoch Childrens Research Institute
Classification: Pathogenic for Familial long QT syndrome. Last evaluated: 2020-10-19. Review status: criteria provided, single submitter. Criteria: ACMG Guidelines, 2015. Collection method: clinical testing. Allele origin: germline. Inheritance: Autosomal dominant inheritance.
Comment: Based on the classification scheme VCGS_Germline_v1.1.1, this variant is classified as pathogenic. Following criteria are met: 0102 - Loss-of-function is a known mechanism of disease for this gene. (N) 0107 - This gene is known to be associated with autosomal dominant disease. (N) 0201 - Variant is predicted to cause nonsense-mediated decay (NMD) and loss of protein (exon 7 of 15). (P) 0251 - Variant is heterozygous. (N) 0301 - Variant is absent from gnomAD. (P) 0701 - Comparable variants also predicted to result in NMD, have very strong previous evidence for pathogenicity, and have been reported in multiple patients with Long QT syndrome (Decipher, ClinVar). (P) 0807 - Variant has not previously been reported in a clinical context. (N) 0905 - No segregation evidence has been identified for this variant. (N) 1007 - No published functional evidence has been identified for this variant. (N) 1208 - Inheritance information for this variant is not currently available. (N) Legend: (P) - Pathogenic, (N) - Neutral, (B) - Benign